The following is an entry in ClinVar:

NM_018714.3(COG1):c.2525C>T (p.Thr842Ile)

Gene: COG1 (component of oligomeric golgi complex 1; plus strand). Cytogenetic location: 17q25.1.
Variant type: single nucleotide variant.
Coding change: c.2525C>T on transcript NM_018714.3 (MANE Select); coding-DNA position 2525, C replaced by T.
Protein change: p.Thr842Ile; replaces threonine 842 with isoleucine.
Molecular consequence: missense variant.
Genome position (GRCh38, 1-based): chr17:73,206,168, C>T. VCF-style: chr17-73206168-C-T. GRCh37 (hg19) VCF-style: chr17-71202307-C-T.
Other names: c.2525C>T (NM_018714.2); short protein forms T842I.
Identifiers: ClinVar variation 2044532 (VCV002044532.5), dbSNP rs781127895, ClinGen allele CA8740506.

ClinVar aggregate classification (germline): Uncertain significance. Review status: criteria provided, multiple submitters, no conflicts (2 of 4 stars). 2 submissions from 2 submitters: Uncertain significance (2). Last evaluated 2025-10-24.

Conditions:
Inborn genetic diseases. Identifiers: MedGen C0950123, MeSH D030342.
COG1 congenital disorder of glycosylation (CDG2G). Also called: CONGENITAL DISORDER OF GLYCOSYLATION, TYPE IIg; CDG IIg; CDGII/COG1 CEREBROCOSTOMANDIBULAR-LIKE SYNDROME. Identifiers: Orphanet 263508, MedGen C2931011, MONDO:0012637, OMIM 611209.

Allele frequency attached by ClinVar (database versions not stated): gnomAD exomes below 0.00001; TOPMed below 0.00001; ExAC 0.00001.

Submissions (2):

Ambry Genetics
Classification: Uncertain significance for Inborn genetic diseases. Last evaluated: 2025-10-24. Review status: criteria provided, single submitter. Criteria: Ambry Variant Classification Scheme 2023. Collection method: clinical testing. Allele origin: germline.

Labcorp Genetics (formerly Invitae), Labcorp
Classification: Uncertain significance for COG1 congenital disorder of glycosylation. Last evaluated: 2022-09-01. Review status: criteria provided, single submitter. Criteria: Invitae Variant Classification Sherloc (09022015). Collection method: clinical testing. Allele origin: germline.
Comment: In summary, the available evidence is currently insufficient to determine the role of this variant in disease. Therefore, it has been classified as a Variant of Uncertain Significance. Algorithms developed to predict the effect of missense changes on protein structure and function (SIFT, PolyPhen-2, Align-GVGD) all suggest that this variant is likely to be tolerated. This variant has not been reported in the literature in individuals affected with COG1-related conditions. This variant is present in population databases (rs781127895, gnomAD 0.002%). This sequence change replaces threonine, which is neutral and polar, with isoleucine, which is neutral and non-polar, at codon 842 of the COG1 protein (p.Thr842Ile).